The following is an entry in ClinVar:

ClinVar aggregate classification (germline): Uncertain significance (1 of 4 stars; one submission).

Allele frequency attached by ClinVar (database versions not stated): ExAC 0.00001; gnomAD 0.00001.
gnomAD v4.1: 6 of 1,613,538 alleles (0.00037%); highest among the groups gnomAD compares: East Asian, 0.0045%; no homozygotes.

Submission:

Labcorp Genetics (formerly Invitae), Labcorp
Classification: Uncertain significance. Last evaluated: 2023-08-11. Review status: criteria provided, single submitter. Criteria: Invitae Variant Classification Sherloc (09022015). Collection method: clinical testing. Allele origin: germline.
Comment: This sequence change replaces alanine, which is neutral and non-polar, with threonine, which is neutral and polar, at codon 1305 of the CACNA1G protein (p.Ala1305Thr). This variant is present in population databases (rs752133556, gnomAD 0.0009%). This variant has not been reported in the literature in individuals affected with CACNA1G-related conditions. An algorithm developed to predict the effect of missense changes on protein structure and function (PolyPhen-2) suggests that this variant is likely to be tolerated. In summary, the available evidence is currently insufficient to determine the role of this variant in disease. Therefore, it has been classified as a Variant of Uncertain Significance.

NM_018896.5(CACNA1G):c.3913G>A (p.Ala1305Thr)

Gene: CACNA1G (calcium voltage-gated channel subunit alpha1 G; plus strand). Cytogenetic location: 17q21.33.
Variant type: single nucleotide variant.
Coding change: c.3913G>A on transcript NM_018896.5 (MANE Select); coding-DNA position 3913, G replaced by A.
Protein change: p.Ala1305Thr; replaces alanine 1305 with threonine.
Molecular consequence: missense variant. On other transcripts: non-coding transcript variant (5).
Genome position (GRCh38, 1-based): chr17:50,601,172, G>A. VCF-style: chr17-50601172-G-A. GRCh37 (hg19) VCF-style: chr17-48678533-G-A.
Other names: c.3913G>A, p.Ala1305Thr (NM_001256333.2, NM_001256334.2, NM_001256359.2 and 16 more transcripts); c.3844G>A, p.Ala1282Thr (NM_198376.3, NM_198379.3, NM_001256332.2 and 5 more transcripts); short protein forms A1282T, A1305T.
Identifiers: ClinVar variation 2970005 (VCV002970005.3), dbSNP rs752133556, ClinGen allele CA8652876.